The following is an entry in ClinVar:

NM_001278064.2(GRM1):c.1486C>T (p.His496Tyr)

Gene: GRM1 (glutamate metabotropic receptor 1; plus strand). Cytogenetic location: 6q24.3.
Variant type: single nucleotide variant.
Coding change: c.1486C>T on transcript NM_001278064.2 (MANE Select); coding-DNA position 1486, C replaced by T.
Protein change: p.His496Tyr; replaces histidine 496 with tyrosine.
Molecular consequence: missense variant.
Genome position (GRCh38, 1-based): chr6:146,357,578, C>T. VCF-style: chr6-146357578-C-T. GRCh37 (hg19) VCF-style: chr6-146678714-C-T.
Other names: c.1486C>T, p.His496Tyr (NM_001278065.2, NM_001278066.1, NM_001278067.1); short protein forms H496Y.
Identifiers: ClinVar variation 1043873 (VCV001043873.8), dbSNP rs1785634499, ClinGen allele CA366189793.
Genomic context (GRCh38, chr6:146,357,578, plus strand): 5'-CTTTGTAGGTATGATATCATGAATCTGCAGTACACTGAAGCTAATCGCTATGACTATGTG[C>T]ACGTTGGAACCTGGCATGAAGGAGTGCTGAACATTGATGATTACAAAATCCAGATGAACA-3'
Protein context (NP_001264993.1, residues 486-506): YTEANRYDYV[His496Tyr]VGTWHEGVLN

ClinVar aggregate classification (germline): Uncertain significance (1 of 4 stars; one submission).

Submission:

Labcorp Genetics (formerly Invitae), Labcorp
Classification: Uncertain significance. Last evaluated: 2022-11-11. Review status: criteria provided, single submitter. Criteria: Invitae Variant Classification Sherloc (09022015). Collection method: clinical testing. Allele origin: germline.
Comment: This sequence change replaces histidine, which is basic and polar, with tyrosine, which is neutral and polar, at codon 496 of the GRM1 protein (p.His496Tyr). This variant is not present in population databases (gnomAD no frequency). This variant has not been reported in the literature in individuals affected with GRM1-related conditions. ClinVar contains an entry for this variant (Variation ID: 1043873). Algorithms developed to predict the effect of missense changes on protein structure and function (SIFT, PolyPhen-2, Align-GVGD) all suggest that this variant is likely to be tolerated. In summary, the available evidence is currently insufficient to determine the role of this variant in disease. Therefore, it has been classified as a Variant of Uncertain Significance.